The following is an entry in ClinVar:

NM_001375524.1(TRRAP):c.2823+6C>T

Gene: TRRAP (transformation/transcription domain associated protein; plus strand). Cytogenetic location: 7q22.1.
Variant type: single nucleotide variant.
Coding change: c.2823+6C>T on transcript NM_001375524.1 (MANE Select); 6 bases into the intron after coding-DNA position 2823, C replaced by T.
Molecular consequence: intron variant.
Genome position (GRCh38, 1-based): chr7:98,921,959, C>T. VCF-style: chr7-98921959-C-T. GRCh37 (hg19) VCF-style: chr7-98519582-C-T.
Other names: c.2823+6C>T (NM_001244580.2, NM_003496.4).
Identifiers: ClinVar variation 2999412 (VCV002999412.3), dbSNP rs781863727, ClinGen allele CA4359842.

ClinVar aggregate classification (germline): Uncertain significance (1 of 4 stars; one submission).

Allele frequency attached by ClinVar (database versions not stated): gnomAD exomes below 0.00001; ExAC 0.00001; gnomAD 0.00001.
gnomAD v4.1: 3 of 1,614,082 alleles (0.00019%); highest among the groups gnomAD compares: Non-Finnish European, 0.00025%; no homozygotes.

Submission:

Labcorp Genetics (formerly Invitae), Labcorp
Classification: Uncertain significance. Last evaluated: 2023-08-03. Review status: criteria provided, single submitter. Criteria: Invitae Variant Classification Sherloc (09022015). Collection method: clinical testing. Allele origin: germline.
Comment: This sequence change falls in intron 21 of the TRRAP gene. It does not directly change the encoded amino acid sequence of the TRRAP protein. It affects a nucleotide within the consensus splice site. This variant is present in population databases (rs781863727, gnomAD 0.002%). This variant has not been reported in the literature in individuals affected with TRRAP-related conditions. Variants that disrupt the consensus splice site are a relatively common cause of aberrant splicing (PMID: 17576681, 9536098). Algorithms developed to predict the effect of sequence changes on RNA splicing suggest that this variant is not likely to affect RNA splicing. In summary, the available evidence is currently insufficient to determine the role of this variant in disease. Therefore, it has been classified as a Variant of Uncertain Significance.

Literature cited by the submitters: PubMed 17576681; PubMed 9536098.